The following is an entry in ClinVar:

ClinVar aggregate classification (germline): Uncertain significance (1 of 4 stars; one submission).

Conditions:
Intellectual developmental disorder, autosomal dominant 1. Also called: MBD5 Haploinsufficiency; Intellectual disability, autosomal dominant 1. Identifiers: Orphanet 228402, MedGen C1969562, MONDO:0007974, OMIM 156200.

gnomAD v4.1: 3 of 1,614,164 alleles (0.00019%); highest among the groups gnomAD compares: African/African-American, 0.004%; no homozygotes.

Submission:

Labcorp Genetics (formerly Invitae), Labcorp
Classification: Uncertain significance for Intellectual developmental disorder, autosomal dominant 1. Last evaluated: 2025-05-02. Review status: criteria provided, single submitter. Criteria: Invitae Variant Classification Sherloc (09022015). Collection method: clinical testing. Allele origin: germline.
Comment: This sequence change replaces serine, which is neutral and polar, with asparagine, which is neutral and polar, at codon 1097 of the MBD5 protein (p.Ser1097Asn). This variant is present in population databases (rs756983734, gnomAD 0.007%). This variant has not been reported in the literature in individuals affected with MBD5-related conditions. Invitae Evidence Modeling of protein sequence and biophysical properties (such as structural, functional, and spatial information, amino acid conservation, physicochemical variation, residue mobility, and thermodynamic stability) indicates that this missense variant is not expected to disrupt MBD5 protein function with a negative predictive value of 80%. In summary, the available evidence is currently insufficient to determine the role of this variant in disease. Therefore, it has been classified as a Variant of Uncertain Significance.

NM_001378120.1(MBD5):c.3989G>A (p.Ser1330Asn)

Gene: MBD5 (methyl-CpG binding domain protein 5; plus strand). Cytogenetic location: 2q23.1.
Variant type: single nucleotide variant.
Coding change: c.3989G>A on transcript NM_001378120.1 (MANE Select); coding-DNA position 3989, G replaced by A.
Protein change: p.Ser1330Asn; replaces serine 1330 with asparagine.
Molecular consequence: missense variant.
Genome position (GRCh38, 1-based): chr2:148,489,621, G>A. VCF-style: chr2-148489621-G-A. GRCh37 (hg19) VCF-style: chr2-149247190-G-A.
Other names: c.3989G>A, p.Ser1330Asn (NM_001438854.1, NM_001438856.1, NM_001438857.1 and 1 more transcripts); c.3290G>A, p.Ser1097Asn (NM_001438855.1, NM_001438859.1, NM_001438860.1 and 3 more transcripts); short protein forms S1097N, S1330N.
Identifiers: ClinVar variation 4803647 (VCV004803647.1).